The following is an entry in ClinVar:

ClinVar aggregate classification (germline): Uncertain significance (1 of 4 stars; one submission).

Submission:

Labcorp Genetics (formerly Invitae), Labcorp
Classification: Uncertain significance. Last evaluated: 2021-10-30. Review status: criteria provided, single submitter. Criteria: Invitae Variant Classification Sherloc (09022015). Collection method: clinical testing. Allele origin: germline.
Comment: In summary, the available evidence is currently insufficient to determine the role of this variant in disease. Therefore, it has been classified as a Variant of Uncertain Significance. Algorithms developed to predict the effect of missense changes on protein structure and function output the following: SIFT: "Tolerated"; PolyPhen-2: "Benign"; Align-GVGD: "Class C0". The threonine amino acid residue is found in multiple mammalian species, which suggests that this missense change does not adversely affect protein function. This variant has not been reported in the literature in individuals affected with PLOD2-related conditions. This variant is not present in population databases (gnomAD no frequency). This sequence change replaces alanine, which is neutral and non-polar, with threonine, which is neutral and polar, at codon 132 of the PLOD2 protein (p.Ala132Thr).

NM_182943.3(PLOD2):c.394G>A (p.Ala132Thr)

Genes: PLOD2 (procollagen-lysine,2-oxoglutarate 5-dioxygenase 2; minus strand), LOC129389144 (MPRA-validated peak4856 silencer; plus strand). Cytogenetic location: 3q24.
Variant type: single nucleotide variant.
Coding change: c.394G>A on transcript NM_182943.3 (MANE Select); coding-DNA position 394, G replaced by A.
Protein change: p.Ala132Thr; replaces alanine 132 with threonine.
Molecular consequence: missense variant.
Genome position (GRCh38, 1-based): chr3:146,110,393, C>T on the plus strand (G>A on the coding strand, the complement: PLOD2 is on the minus strand). VCF-style: chr3-146110393-C-T. GRCh37 (hg19) VCF-style: chr3-145828180-C-T.
Other names: c.394G>A, p.Ala132Thr (NM_000935.3); short protein forms A132T.
Identifiers: ClinVar variation 1485603 (VCV001485603.6), dbSNP rs2108069075, ClinGen allele CA354895684.